The following is an entry in ClinVar:

NM_002718.5(PPP2R3A):c.1690A>G (p.Ile564Val)

Gene: PPP2R3A (protein phosphatase 2 regulatory subunit B''alpha; plus strand). Cytogenetic location: 3q22.3.
Variant type: single nucleotide variant.
Coding change: c.1690A>G on transcript NM_002718.5 (MANE Select); coding-DNA position 1690, A replaced by G.
Protein change: p.Ile564Val; replaces isoleucine 564 with valine.
Molecular consequence: missense variant. On other transcripts: intron variant (1).
Genome position (GRCh38, 1-based): chr3:136,003,188, A>G. VCF-style: chr3-136003188-A-G. GRCh37 (hg19) VCF-style: chr3-135722030-A-G.
Other names: c.-213-23644A>G (NM_001190447.2); short protein forms I564V.
Identifiers: ClinVar variation 3038587 (VCV003038587.2), dbSNP rs35923084, ClinGen allele CA2630619.

ClinVar aggregate classification (germline): Benign (0 of 4 stars; one submission).

Conditions:
PPP2R3A-related disorder. Also called: PPP2R3A-related condition.

Allele frequency attached by ClinVar (database versions not stated): gnomAD exomes 0.00120; ExAC 0.00396; gnomAD 0.01255; TOPMed 0.01407; 1000 Genomes Project 0.01418; ESP Exome Variant Server 0.01446; 1000 Genomes Project 30x 0.01593.
gnomAD v4.1: 3,747 of 1,613,872 alleles (0.23%); highest among the groups gnomAD compares: African/African-American, 4.4%; 72 homozygotes.

Submission:

PreventionGenetics, part of Exact Sciences
Classification: Benign for PPP2R3A-related condition. Last evaluated: 2019-02-21. Review status: no assertion criteria provided. Collection method: clinical testing. Allele origin: germline.
Comment: This variant is classified as benign based on ACMG/AMP sequence variant interpretation guidelines (Richards et al. 2015 PMID: 25741868, with internal and published modifications).